The following is an entry in ClinVar:

NM_024675.4(PALB2):c.1441C>A (p.Leu481Ile)

Gene: PALB2 (partner and localizer of BRCA2; minus strand). Cytogenetic location: 16p12.2.
Variant type: single nucleotide variant.
Coding change: c.1441C>A on transcript NM_024675.4 (MANE Select); coding-DNA position 1441, C replaced by A.
Protein change: p.Leu481Ile; replaces leucine 481 with isoleucine.
Molecular consequence: missense variant. On other transcripts: intron variant (3).
Genome position (GRCh38, 1-based): chr16:23,635,105, G>T on the plus strand (C>A on the coding strand, the complement: PALB2 is on the minus strand). VCF-style: chr16-23635105-G-T. GRCh37 (hg19) VCF-style: chr16-23646426-G-T.
Other names: c.1381C>A, p.Leu461Ile (NM_001407296.1); c.1441C>A, p.Leu481Ile (NM_001407297.1, NM_001407298.1, NM_001407299.1 and 3 more transcripts); c.556C>A, p.Leu186Ile (NM_001407304.1, NM_001407305.1, NM_001407306.1 and 5 more transcripts); c.49-5830C>A (NM_001407314.1); c.-104-4636C>A (NM_001407313.1, NM_001407312.1); short protein forms L481I, L186I, L461I.
Identifiers: ClinVar variation 4736574 (VCV004736574.1).
Genomic context (GRCh38, chr16:23,635,105, plus strand): 5'-TAGACAAGTCATTATCTTCAGTGGGCCCAGCGGGAGAGCTGACTTTAGTTAATGAGAGAA[G>T]TTTCTGAGAGGTTCTTGAACTTGGTTGTCCTGTGCATGTGCCAGACATCCTAATTTCACT-3'
Protein context (NP_078951.2, residues 471-491): GQPSSRTSQK[Leu481Ile]LSLTKVSSPA

ClinVar aggregate classification (germline): Uncertain significance (1 of 4 stars; one submission).

Conditions:
Familial cancer of breast. Also called: hereditary breast carcinoma; BREAST CANCER, FAMILIAL; Hereditary breast cancer. Identifiers: Orphanet 227535, MedGen C0346153, MONDO:0016419, OMIM 114480. Disease mechanism: loss of function.

Submission:

Labcorp Genetics (formerly Invitae), Labcorp
Classification: Uncertain significance for Familial cancer of breast. Last evaluated: 2025-03-13. Review status: criteria provided, single submitter. Criteria: Invitae Variant Classification Sherloc (09022015). Collection method: clinical testing. Allele origin: germline.
Comment: This sequence change replaces leucine, which is neutral and non-polar, with isoleucine, which is neutral and non-polar, at codon 481 of the PALB2 protein (p.Leu481Ile). This variant is not present in population databases (gnomAD no frequency). This variant has not been reported in the literature in individuals affected with PALB2-related conditions. Invitae Evidence Modeling of protein sequence and biophysical properties (such as structural, functional, and spatial information, amino acid conservation, physicochemical variation, residue mobility, and thermodynamic stability) indicates that this missense variant is not expected to disrupt PALB2 protein function with a negative predictive value of 80%. In summary, the available evidence is currently insufficient to determine the role of this variant in disease. Therefore, it has been classified as a Variant of Uncertain Significance.